The following is an entry in ClinVar:

NM_004385.5(VCAN):c.9824A>G (p.Gln3275Arg)

Gene: VCAN (versican; plus strand). Cytogenetic location: 5q14.3.
Variant type: single nucleotide variant.
Coding change: c.9824A>G on transcript NM_004385.5 (MANE Select); coding-DNA position 9824, A replaced by G.
Protein change: p.Gln3275Arg; replaces glutamine 3275 with arginine.
Molecular consequence: missense variant.
Genome position (GRCh38, 1-based): chr5:83,572,504, A>G. VCF-style: chr5-83572504-A-G. GRCh37 (hg19) VCF-style: chr5-82868323-A-G.
Other names: c.1601A>G, p.Gln534Arg (NM_001126336.3); c.6863A>G, p.Gln2288Arg (NM_001164097.2); c.4562A>G, p.Gln1521Arg (NM_001164098.2); short protein forms Q3275R, Q2288R, Q534R, Q1521R.
Identifiers: ClinVar variation 1468624 (VCV001468624.6), dbSNP rs780870136, ClinGen allele CA3334101.
Genomic context (GRCh38, chr5:83,572,504, plus strand): 5'-CAGACAGCTTCTTTTCTGCTGGAGAAGACTGTGTTGTAATCATTTGGCATGAGAATGGCC[A>G]GTGGAATGATGTTCCCTGCAATTACCATCTCACCTATACGTGCAAGAAAGGAACAGGTAA-3'
Protein context (NP_004376.2, residues 3265-3285): CVVIIWHENG[Gln3275Arg]WNDVPCNYHL

ClinVar aggregate classification (germline): Uncertain significance (1 of 4 stars; one submission).

Allele frequency attached by ClinVar (database versions not stated): TOPMed below 0.00001; gnomAD 0.00001; ExAC 0.00002.
gnomAD v4.1: 23 of 1,613,838 alleles (0.0014%); highest among the groups gnomAD compares: Admixed American, 0.0033%; no homozygotes.

Submission:

Labcorp Genetics (formerly Invitae), Labcorp
Classification: Uncertain significance. Last evaluated: 2022-07-11. Review status: criteria provided, single submitter. Criteria: Invitae Variant Classification Sherloc (09022015). Collection method: clinical testing. Allele origin: germline.
Comment: ClinVar contains an entry for this variant (Variation ID: 1468624). Algorithms developed to predict the effect of missense changes on protein structure and function are either unavailable or do not agree on the potential impact of this missense change (SIFT: "Deleterious"; PolyPhen-2: "Possibly Damaging"; Align-GVGD: "Class C0"). In summary, the available evidence is currently insufficient to determine the role of this variant in disease. Therefore, it has been classified as a Variant of Uncertain Significance. This variant has not been reported in the literature in individuals affected with VCAN-related conditions. This variant is present in population databases (rs780870136, gnomAD 0.003%). This sequence change replaces glutamine, which is neutral and polar, with arginine, which is basic and polar, at codon 3275 of the VCAN protein (p.Gln3275Arg).